The following is an entry in ClinVar:

NM_004958.4(MTOR):c.3542T>C (p.Val1181Ala)

Gene: MTOR (mechanistic target of rapamycin kinase; minus strand). Cytogenetic location: 1p36.22.
Variant type: single nucleotide variant.
Coding change: c.3542T>C on transcript NM_004958.4 (MANE Select); coding-DNA position 3542, T replaced by C.
Protein change: p.Val1181Ala; replaces valine 1181 with alanine.
Molecular consequence: missense variant.
Genome position (GRCh38, 1-based): chr1:11,212,331, A>G on the plus strand (T>C on the coding strand, the complement: MTOR is on the minus strand). VCF-style: chr1-11212331-A-G. GRCh37 (hg19) VCF-style: chr1-11272388-A-G.
Other names: c.3542T>C, p.Val1181Ala (NM_001386500.1); c.2294T>C, p.Val765Ala (NM_001386501.1); short protein forms V1181A, V765A.
Identifiers: ClinVar variation 3600490 (VCV003600490.1).
Genomic context (GRCh38, chr1:11,212,331, plus strand): 5'-TAAGGCAGAAGAGCACCTGTCTGTCCAGACTCCCATCTTACCTTCTTCCCCAGCTGAAAA[A>G]CAAGTGAAGACAGCGTGTCCATGGCTGTGGAGCGCAGTTCTGGGCTCTGGTCCAGTGTTC-3'
Protein context (NP_004949.1, residues 1171-1191): STAMDTLSSL[Val1181Ala]FQLGKKYQIF

ClinVar aggregate classification (germline): Uncertain significance (1 of 4 stars; one submission).

Submission:

Clinical Genomics Laboratory, Washington University in St. Louis
Classification: Uncertain significance. Last evaluated: 2024-08-28. Review status: criteria provided, single submitter. Criteria: ACMG Guidelines, 2015. Collection method: clinical testing. Allele origin: germline.
Comment: An MTOR c.3542T>C (p.Val1181Ala) variant was identified at near heterozygous allelic fraction of 45.8%, a frequency which may be consistent with it being of germline origin. This variant has been reported as a variant of uncertain significance in an individual affected with renal medullary carcinoma (Carlo M et al., PMID: 28558987). It is absent from the general population (gnomAD v.4.1.0), indicating it is not a common variant. Computational predictors are uncertain as to the impact of this variant on MTOR function. The MTOR gene is a gene that has a low rate of benign missense variation and where pathogenic missense variants are a known mechanism of disease. Due to limited information, and based on the ACMG/AMP guidelines for variant interpretation (Richards S et al., PMID: 25741868), and the ClinGen Brain Malformation guidelines (Lai A et al., PMID:35997716), the clinical significance of the MTOR c.3542T>C (p.Val1181Ala) variant is uncertain at this time.